The following is an entry in ClinVar:

ClinVar aggregate classification (germline): Likely benign (1 of 4 stars; one submission).

Allele frequency attached by ClinVar (database versions not stated): ESP Exome Variant Server 0.00031; gnomAD exomes 0.00066 and 0.00228; gnomAD 0.00091 and 0.00115; TOPMed 0.00175; ExAC 0.00219; 1000 Genomes Project 30x 0.00578; 1000 Genomes Project 0.00659.
gnomAD v4.1: 1,320 of 1,602,820 alleles (0.082%); highest among the groups gnomAD compares: East Asian, 2.2%; 28 homozygotes.

Submission:

GeneDx
Classification: Likely benign. Last evaluated: 2018-06-16. Review status: criteria provided, single submitter. Criteria: GeneDx Variant Classification (06012015). Collection method: clinical testing. Allele origin: germline. Affected: yes.
Comment: This variant is considered likely benign or benign based on one or more of the following criteria: it is a conservative change, it occurs at a poorly conserved position in the protein, it is predicted to be benign by multiple in silico algorithms, and/or has population frequency not consistent with disease.

NM_001267550.2(TTN):c.1662+42A>G

Gene: TTN (titin; minus strand). Cytogenetic location: 2q31.2.
Variant type: single nucleotide variant.
Coding change: c.1662+42A>G on transcript NM_001267550.2 (MANE Select); 42 bases into the intron after coding-DNA position 1662, A replaced by G.
Molecular consequence: intron variant.
Genome position (GRCh38, 1-based): chr2:178,792,030, T>C on the plus strand (A>G on the coding strand, the complement: TTN is on the minus strand). VCF-style: chr2-178792030-T-C. GRCh37 (hg19) VCF-style: chr2-179656757-T-C.
Other names: c.1662+42A>G (NM_001256850.1, NM_003319.4, NM_133437.4 and 3 more transcripts).
Identifiers: ClinVar variation 677007 (VCV000677007.1), dbSNP rs72647856, ClinGen allele CA2005992.